The following is an entry in ClinVar:

NM_001376.5(DYNC1H1):c.10413+3A>G

Gene: DYNC1H1 (dynein cytoplasmic 1 heavy chain 1; plus strand). Cytogenetic location: 14q32.31.
Variant type: single nucleotide variant.
Coding change: c.10413+3A>G on transcript NM_001376.5 (MANE Select); 3 bases into the intron after coding-DNA position 10413, A replaced by G.
Molecular consequence: intron variant.
Genome position (GRCh38, 1-based): chr14:102,033,487, A>G. VCF-style: chr14-102033487-A-G. GRCh37 (hg19) VCF-style: chr14-102499824-A-G.
Identifiers: ClinVar variation 1005789 (VCV001005789.7), dbSNP rs2048533401, ClinGen allele CA2159617848.
Genomic context (GRCh38, chr14:102,033,487, plus strand): 5'-CGTCCTGATCTCAGAGGCCCAGGCCATCAAGGCAGACCTGGCAGCTGTCGAGGCAAAAGT[A>G]AGATTATCATCATTGATCCTCAGCCTTTCCTGCTGTGGAAGCAGAGATTAACACACTTCA-3'

ClinVar aggregate classification (germline): Uncertain significance (1 of 4 stars; one submission).

Conditions:
Charcot-Marie-Tooth disease axonal type 2O. Also called: CHARCOT-MARIE-TOOTH NEUROPATHY, AXONAL, TYPE 2O; CHARCOT-MARIE-TOOTH DISEASE, AXONAL, AUTOSOMAL DOMINANT, TYPE 2O; Charcot-Marie-Tooth Neuropathy Type 2O; Charcot-Marie-Tooth disease, axonal, type 20. Identifiers: Orphanet 284232, MedGen C3280220, MONDO:0013644, OMIM 614228.

Allele frequency attached by ClinVar (database versions not stated): gnomAD exomes below 0.00001.
gnomAD v4.1: 1 of 1,614,012 alleles (0.000062%); highest among the groups gnomAD compares: Non-Finnish European, 0.000085%; no homozygotes.

Submission:

Labcorp Genetics (formerly Invitae), Labcorp
Classification: Uncertain significance for Charcot-Marie-Tooth disease axonal type 2O. Last evaluated: 2020-04-15. Review status: criteria provided, single submitter. Criteria: Invitae Variant Classification Sherloc (09022015). Collection method: clinical testing. Allele origin: germline.
Comment: In summary, the available evidence is currently insufficient to determine the role of this variant in disease. Therefore, it has been classified as a Variant of Uncertain Significance. Nucleotide substitutions within the consensus splice site are a relatively common cause of aberrant splicing (PMID: 17576681, 9536098). Algorithms developed to predict the effect of sequence changes on RNA splicing suggest that this variant may disrupt the consensus splice site, but this prediction has not been confirmed by published transcriptional studies. This variant has not been reported in the literature in individuals with DYNC1H1-related conditions. This variant is not present in population databases (ExAC no frequency). This sequence change falls in intron 54 of the DYNC1H1 gene. It does not directly change the encoded amino acid sequence of the DYNC1H1 protein, but it affects a nucleotide within the consensus splice site of the intron.

Literature cited by the submitters: PubMed 17576681; PubMed 9536098.